The following is an entry in ClinVar:

ClinVar aggregate classification (germline): Uncertain significance (1 of 4 stars; one submission).

Conditions:
Pendred syndrome (PDS). Also called: Pendred Syndrome (PDS); GOITER-DEAFNESS SYNDROME; HYPOTHYROIDISM, CONGENITAL, DUE TO DYSHORMONOGENESIS, 2B; THYROID DYSHORMONOGENESIS 2B; THYROID HORMONOGENESIS, GENETIC DEFECT IN, 2B; Pendred's syndrome. Identifiers: Orphanet 705, MedGen C0271829, MONDO:0010134, OMIM 274600.

Allele frequency attached by ClinVar (database versions not stated): gnomAD exomes below 0.00001.
gnomAD v4.1: 3 of 1,588,840 alleles (0.00019%); highest among the groups gnomAD compares: East Asian, 0.0067%; no homozygotes.

Submission:

National Institute of Sensory Organs, National Hospital Organization Tokyo Medical Center
Classification: Uncertain significance for Pendred syndrome. Last evaluated: 2019-08-20. Review status: criteria provided, single submitter. Criteria: ACMG Guidelines, 2015. Collection method: clinical testing, in vitro. Allele origin: germline. Inheritance: Autosomal recessive inheritance. Affected: yes. Observed: 1 heterozygote. Functional consequence: loss_of_function_variant. Segregation with disease not observed.
Comment: in vitro experiment

Literature cited by the submitters: PubMed 31599023.

NM_000441.2(SLC26A4):c.1448T>A (p.Val483Glu)

Gene: SLC26A4 (solute carrier family 26 member 4; plus strand). Cytogenetic location: 7q22.3.
Variant type: single nucleotide variant.
Coding change: c.1448T>A on transcript NM_000441.2 (MANE Select); coding-DNA position 1448, T replaced by A.
Protein change: p.Val483Glu; replaces valine 483 with glutamic acid.
Molecular consequence: missense variant.
Genome position (GRCh38, 1-based): chr7:107,695,943, T>A. VCF-style: chr7-107695943-T-A. GRCh37 (hg19) VCF-style: chr7-107336388-T-A.
Other names: short protein forms V483E.
Identifiers: ClinVar variation 691515 (VCV000691515.3), dbSNP rs745473179, ClinGen allele CA368841199.